The following is an entry in ClinVar:

ClinVar aggregate classification (germline): Uncertain significance (1 of 4 stars; one submission).

Conditions:
Inborn genetic diseases. Identifiers: MedGen C0950123, MeSH D030342.

Allele frequency attached by ClinVar (database versions not stated): gnomAD 0.00001; gnomAD exomes 0.00001; ExAC 0.00003.
gnomAD v4.1: 9 of 1,605,576 alleles (0.00056%); highest among the groups gnomAD compares: Non-Finnish European, 0.00068%; no homozygotes.

Submission:

Ambry Genetics
Classification: Uncertain significance for Inborn genetic diseases. Last evaluated: 2022-05-09. Review status: criteria provided, single submitter. Criteria: Ambry Variant Classification Scheme 2023. Collection method: clinical testing. Allele origin: germline.
Comment: The c.138-3C>T intronic alteration consists of a C to T substitution 3 nucleotides before exon 2 of the RORA gene. Based on insufficient or conflicting evidence, the clinical significance of this alteration remains unclear.

NM_134261.3(RORA):c.197-26458C>T

Genes: RORA (RAR related orphan receptor A; minus strand), RORA-AS1 (RORA antisense RNA 1; plus strand). Cytogenetic location: 15q22.2.
Variant type: single nucleotide variant.
Coding change: c.197-26458C>T on transcript NM_134261.3 (MANE Select); 26458 bases into the intron before coding-DNA position 197, C replaced by T.
Molecular consequence: intron variant.
Genome position (GRCh38, 1-based): chr15:60,558,309, G>A on the plus strand (C>T on the coding strand, the complement: RORA is on the minus strand). VCF-style: chr15-60558309-G-A. GRCh37 (hg19) VCF-style: chr15-60850508-G-A.
Other names: c.138-3C>T (NM_134260.3); c.272-26458C>T (NM_002943.4); c.32-26458C>T (NM_134262.3).
Identifiers: ClinVar variation 2273870 (VCV002273870.2), dbSNP rs759224994, ClinGen allele CA7593825.